The following is an entry in ClinVar:

ClinVar aggregate classification (germline): Uncertain significance. Review status: criteria provided, multiple submitters, no conflicts (2 of 4 stars). 2 submissions from 2 submitters: Uncertain significance (2). Last evaluated 2024-12-31.

Conditions:
Inborn genetic diseases. Identifiers: MedGen C0950123, MeSH D030342.

Allele frequency attached by ClinVar (database versions not stated): gnomAD exomes below 0.00001 and 0.00001; ExAC 0.00001; gnomAD 0.00002; TOPMed 0.00002.
gnomAD v4.1: 5 of 1,610,770 alleles (0.00031%); highest among the groups gnomAD compares: African/African-American, 0.0067%; no homozygotes.

Submissions (2):

Ambry Genetics
Classification: Uncertain significance for Inborn genetic diseases. Last evaluated: 2024-12-31. Review status: criteria provided, single submitter. Criteria: Ambry Variant Classification Scheme 2023. Collection method: clinical testing. Allele origin: germline.

Labcorp Genetics (formerly Invitae), Labcorp
Classification: Uncertain significance. Last evaluated: 2023-08-24. Review status: criteria provided, single submitter. Criteria: Invitae Variant Classification Sherloc (09022015). Collection method: clinical testing. Allele origin: germline.
Comment: In summary, the available evidence is currently insufficient to determine the role of this variant in disease. Therefore, it has been classified as a Variant of Uncertain Significance. Advanced modeling of protein sequence and biophysical properties (such as structural, functional, and spatial information, amino acid conservation, physicochemical variation, residue mobility, and thermodynamic stability) performed at Invitae indicates that this missense variant is not expected to disrupt TTLL5 protein function. ClinVar contains an entry for this variant (Variation ID: 1500468). This variant has not been reported in the literature in individuals affected with TTLL5-related conditions. This variant is present in population databases (rs746942017, gnomAD 0.01%). This sequence change replaces glutamine, which is neutral and polar, with arginine, which is basic and polar, at codon 573 of the TTLL5 protein (p.Gln573Arg).

NM_015072.5(TTLL5):c.1718A>G (p.Gln573Arg)

Gene: TTLL5 (tubulin tyrosine ligase like 5; plus strand). Cytogenetic location: 14q24.3.
Variant type: single nucleotide variant.
Coding change: c.1718A>G on transcript NM_015072.5 (MANE Select); coding-DNA position 1718, A replaced by G.
Protein change: p.Gln573Arg; replaces glutamine 573 with arginine.
Molecular consequence: missense variant.
Genome position (GRCh38, 1-based): chr14:75,766,071, A>G. VCF-style: chr14-75766071-A-G. GRCh37 (hg19) VCF-style: chr14-76232414-A-G.
Other names: c.1718A>G (NM_015072.4); short protein forms Q573R.
Identifiers: ClinVar variation 1500468 (VCV001500468.10), dbSNP rs746942017, ClinGen allele CA7279523.